The following is an entry in ClinVar:

ClinVar aggregate classification (germline): Uncertain significance. Review status: criteria provided, multiple submitters, no conflicts (2 of 4 stars). 2 submissions from 2 submitters: Uncertain significance (2). Last evaluated 2022-09-01.

Submissions (2):

CeGaT Center for Human Genetics Tuebingen
Classification: Uncertain significance. Last evaluated: 2022-09-01. Review status: criteria provided, single submitter. Criteria: CeGaT Center For Human Genetics Tuebingen Variant Classification Criteria Version 2. Collection method: clinical testing. Allele origin: germline. Affected: yes. Observed: 1 variant allele.
Comment: CRBN: PM2

Genetic Services Laboratory, University of Chicago
Classification: Uncertain significance. Last evaluated: 2015-09-17. Review status: criteria provided, single submitter. Criteria: ACMG Guidelines, 2015. Collection method: clinical testing. Allele origin: germline. Affected: no.

NM_016302.4(CRBN):c.57_65del (p.Leu20_Pro22del)

Gene: CRBN (cereblon; minus strand). Cytogenetic location: 3p26.2.
Variant type: Deletion.
Coding change: c.57_65del on transcript NM_016302.4 (MANE Select); coding-DNA positions 57 to 65, 9 bases deleted (GCTCCTGCC; older notation c.57_65delGCTCCTGCC).
Protein change: p.Leu20_Pro22del.
Molecular consequence: inframe deletion.
Genome position (GRCh38, 1-based): chr3:3,179,623-3,179,631, GGCAGGAGC deleted on the plus strand (GCTCCTGCC on the coding strand, the reverse complement: CRBN is on the minus strand); deleting any 9 consecutive bases within chr3:3,179,623-3,179,637 gives the same sequence; the c. name uses the placement nearest the transcript's 3' end. VCF-style (leftmost placement, unchanged base first): chr3-3179622-AGGCAGGAGC-A. GRCh37 (hg19) VCF-style: chr3-3221306-AGGCAGGAGC-A.
Other names: c.57_65del, p.Leu20_Pro22del (NM_001173482.1).
Identifiers: ClinVar variation 434828 (VCV000434828.36), dbSNP rs1553563717, ClinGen allele CA645372379.